The following is an entry in ClinVar:

NM_018489.3(ASH1L):c.3838C>T (p.Arg1280Ter)

Gene: ASH1L (ASH1 like histone lysine methyltransferase; minus strand). Cytogenetic location: 1q22.
Variant type: single nucleotide variant.
Coding change: c.3838C>T on transcript NM_018489.3 (MANE Select); coding-DNA position 3838, C replaced by T.
Protein change: p.Arg1280Ter; replaces arginine 1280 with a stop codon.
Molecular consequence: nonsense.
Genome position (GRCh38, 1-based): chr1:155,479,032, G>A on the plus strand (C>T on the coding strand, the complement: ASH1L is on the minus strand). VCF-style: chr1-155479032-G-A. GRCh37 (hg19) VCF-style: chr1-155448823-G-A.
Other names: c.3838C>T, p.Arg1280Ter (NM_001366177.2); c.3838C>T (NM_018489.2); short protein forms R1280*.
Identifiers: ClinVar variation 1285512 (VCV001285512.4), dbSNP rs1553265154, ClinGen allele CA342707936.

ClinVar aggregate classification (germline): Pathogenic/Likely pathogenic. Review status: criteria provided, multiple submitters, no conflicts (2 of 4 stars). 4 submissions from 4 submitters: Pathogenic (2); Likely pathogenic (2). Last evaluated 2026-04-17.

Conditions:
Intellectual developmental disorder, autosomal dominant 52. Also called: Intellectual disability, autosomal dominant 52; Mental retardation, autosomal dominant 52. Identifiers: MedGen C4540478, MONDO:0030918, OMIM 617796.
Inborn genetic diseases. Identifiers: MedGen C0950123, MeSH D030342.

Submissions (4):

Clinical Genomic Analysis (GENYSIS) Core, University of North Carolina at Chapel Hill
Classification: Likely pathogenic for Intellectual developmental disorder, autosomal dominant 52. Last evaluated: 2026-04-17. Review status: criteria provided, single submitter. Criteria: ACMG Guidelines, 2015. Collection method: research. Allele origin: unknown. Affected: yes. Observed: 1 variant allele, 1 heterozygote. Study: UNC Genetic Determinants of Neurological and Developmental Disorders (GDNDD) Study.
Comment: ASH1L c.3838C>T, p.(Arg1280Ter), is a nonsense variant in exon 3 of 28 that is predicted to result in premature protein truncation and loss of protein function. This variant has not previously been reported in the literature, is not present in control individuals in gnomADv4.1.1, and has been submitted to ClinVar as pathogenic/likely pathogenic. Based on the available information, we consider the c.3838C>T, p.(Arg1280Ter), variant to be likely pathogenic. ACMG codes: PVS1 (null variant), PS4_supporting (more cases than controls), PM2_supporting (absent from gnomAD)

GeneDx
Classification: Pathogenic. Last evaluated: 2026-02-12. Review status: criteria provided, single submitter. Criteria: GeneDx Variant Classification Process June 2021. Collection method: clinical testing. Allele origin: germline.
Comment: Nonsense variant predicted to result in protein truncation or nonsense mediated decay in a gene for which loss of function is a known mechanism of disease; Not observed at significant frequency in large population cohorts (gnomAD); Has not been previously published as pathogenic or benign to our knowledge

Ambry Genetics
Classification: Pathogenic for Inborn genetic diseases. Last evaluated: 2025-06-18. Review status: criteria provided, single submitter. Criteria: Ambry Variant Classification Scheme 2023. Collection method: clinical testing. Allele origin: germline.
Comment: The c.3838C>T (p.R1280*) alteration, located in exon 3 (coding exon 2) of the ASH1L gene, consists of a C to T substitution at nucleotide position 3838. This changes the amino acid from a arginine (R) to a stop codon at amino acid position 1280. This alteration is expected to result in loss of function by premature protein truncation or nonsense-mediated mRNA decay. This variant was not reported in population-based cohorts in the Genome Aggregation Database (gnomAD). Based on the available evidence, this alteration is classified as pathogenic.

Institute of Human Genetics, University of Leipzig Medical Center
Classification: Likely pathogenic for Intellectual developmental disorder, autosomal dominant 52. Last evaluated: 2021-02-15. Review status: criteria provided, single submitter. Criteria: ACMG Guidelines, 2015. Collection method: clinical testing. Allele origin: unknown. Affected: yes.